The following is an entry in ClinVar:

ClinVar aggregate classification (germline): Likely benign (1 of 4 stars; one submission).

Submission:

Laboratory for Molecular Medicine, Mass General Brigham Personalized Medicine
Classification: Likely benign. Last evaluated: 2015-04-17. Review status: criteria provided, single submitter. Criteria: LMM Criteria. Collection method: clinical testing. Allele origin: germline. Observed: 1 variant allele.
Comment: p.Lys757Lys in exon 8 of TECTA: This variant is not expected to have clinical si gnificance because it does not alter an amino acid residue and is not located wi thin the splice consensus sequence.

NM_005422.4(TECTA):c.2271G>A (p.Lys757=)

Genes: TBCEL-TECTA (TBCEL-TECTA readthrough; plus strand), TECTA (tectorin alpha; plus strand). Cytogenetic location: 11q23.3.
Variant type: single nucleotide variant.
Coding change: c.2271G>A on transcript NM_005422.4 (MANE Select); coding-DNA position 2271, G replaced by A.
Protein change: p.Lys757=; no amino-acid change (lysine 757 retained).
Molecular consequence: synonymous variant.
Genome position (GRCh38, 1-based): chr11:121,128,248, G>A. VCF-style: chr11-121128248-G-A. GRCh37 (hg19) VCF-style: chr11-120998957-G-A.
Other names: c.3228G>A, p.Lys1076= (NM_001378761.1).
Identifiers: ClinVar variation 227991 (VCV000227991.5), dbSNP rs369114054, ClinGen allele CA10576836.